The following is an entry in ClinVar:

NM_006073.4(TRDN):c.2165C>T (p.Pro722Leu)

Gene: TRDN (triadin; minus strand). Cytogenetic location: 6q22.31.
Variant type: single nucleotide variant.
Coding change: c.2165C>T on transcript NM_006073.4 (MANE Select); coding-DNA position 2165, C replaced by T.
Protein change: p.Pro722Leu; replaces proline 722 with leucine.
Molecular consequence: missense variant.
Genome position (GRCh38, 1-based): chr6:123,218,626, G>A on the plus strand (C>T on the coding strand, the complement: TRDN is on the minus strand). VCF-style: chr6-123218626-G-A. GRCh37 (hg19) VCF-style: chr6-123539771-G-A.
Other names: short protein forms P722L.
Identifiers: ClinVar variation 1486122 (VCV001486122.7), dbSNP rs2114492200, ClinGen allele CA365564357.

ClinVar aggregate classification (germline): Uncertain significance (1 of 4 stars; one submission).

Conditions:
Catecholaminergic polymorphic ventricular tachycardia 1. Also called: VENTRICULAR TACHYCARDIA, CATECHOLAMINERGIC POLYMORPHIC, 1, WITH OR WITHOUT ATRIAL DYSFUNCTION AND/OR DILATED CARDIOMYOPATHY; VENTRICULAR TACHYCARDIA, STRESS-INDUCED POLYMORPHIC 1; RYR2-Related Catecholaminergic Polymorphic Ventricular Tachycardia. Identifiers: Orphanet 3286, MedGen C1631597, MONDO:0011484, OMIM 604772.

Allele frequency attached by ClinVar (database versions not stated): gnomAD exomes below 0.00001.
gnomAD v4.1: 1 of 1,611,698 alleles (0.000062%); highest among the groups gnomAD compares: East Asian, 0.0022%; no homozygotes.

Submission:

Labcorp Genetics (formerly Invitae), Labcorp
Classification: Uncertain significance for Catecholaminergic polymorphic ventricular tachycardia 1. Last evaluated: 2021-11-01. Review status: criteria provided, single submitter. Criteria: Invitae Variant Classification Sherloc (09022015). Collection method: clinical testing. Allele origin: germline.
Comment: In summary, the available evidence is currently insufficient to determine the role of this variant in disease. Therefore, it has been classified as a Variant of Uncertain Significance. Algorithms developed to predict the effect of missense changes on protein structure and function are either unavailable or do not agree on the potential impact of this missense change (SIFT: "Deleterious"; PolyPhen-2: "Probably Damaging"; Align-GVGD: "Class C0"). This variant has not been reported in the literature in individuals affected with TRDN-related conditions. This variant is not present in population databases (gnomAD no frequency). This sequence change replaces proline, which is neutral and non-polar, with leucine, which is neutral and non-polar, at codon 722 of the TRDN protein (p.Pro722Leu).